The following is an entry in ClinVar:

NM_000210.4(ITGA6):c.*702C>T

Genes: ITGA6 (integrin subunit alpha 6; plus strand), PDK1-AS1 (PDK1 and ITGA6 antisense RNA 1; minus strand). Cytogenetic location: 2q31.1.
Variant type: single nucleotide variant.
Coding change: c.*702C>T on transcript NM_000210.4 (MANE Select); 702 bases downstream of the stop codon, C replaced by T.
Molecular consequence: 3 prime UTR variant.
Genome position (GRCh38, 1-based): chr2:172,504,770, C>T. VCF-style: chr2-172504770-C-T. GRCh37 (hg19) VCF-style: chr2-173369498-C-T.
Other names: c.*518C>T (NM_001079818.3, NM_001365529.2); c.*702C>T (NM_001316306.2, NM_001365530.2).
Identifiers: ClinVar variation 892611 (VCV000892611.4), dbSNP rs138288164, ClinGen allele CA60697247.

ClinVar aggregate classification (germline): Likely benign (1 of 4 stars; one submission).

Conditions:
Junctional epidermolysis bullosa with pyloric atresia. Also called: APLASIA CUTIS CONGENITA WITH GASTROINTESTINAL ATRESIA; CARMI SYNDROME; EB-PA-ACC; EPIDERMOLYSIS BULLOSA, JUNCTIONAL 5B, WITH PYLORIC ATRESIA; ITGB4-Related Epidermolysis Bullosa with Pyloric Atresia; ITGA6-Related Epidermolysis Bullosa with Pyloric Atresia. Identifiers: Orphanet 79403, MedGen C5676875, MONDO:0009183, OMIM 226730.

Allele frequency attached by ClinVar (database versions not stated): 1000 Genomes Project 0.00339; 1000 Genomes Project 30x 0.00344; gnomAD 0.00434 and 0.00475; TOPMed 0.00481.

Submission:

Illumina Laboratory Services, Illumina
Classification: Likely benign for Junctional epidermolysis bullosa with pyloric atresia. Last evaluated: 2018-01-13. Review status: criteria provided, single submitter. Criteria: ICSL Variant Classification Criteria 13 December 2019. Collection method: clinical testing. Allele origin: germline.
Comment: This variant was observed in the ICSL laboratory as part of a predisposition screen in an ostensibly healthy population. It had not been previously curated by ICSL or reported in the Human Gene Mutation Database (HGMD: prior to June 1st, 2018), and was therefore a candidate for classification through an automated scoring system. Utilizing variant allele frequency, disease prevalence and penetrance estimates, and inheritance mode, an automated score was calculated to assess if this variant is too frequent to cause the disease. Based on the score and internal cut-off values, a variant classified as likely benign is not then subjected to further curation. The score for this variant resulted in a classification of likely benign for this disease.